The following is an entry in ClinVar:

NM_002291.3(LAMB1):c.1977A>G (p.Pro659=)

Gene: LAMB1 (laminin subunit beta 1; minus strand). Cytogenetic location: 7q31.1.
Variant type: single nucleotide variant.
Coding change: c.1977A>G on transcript NM_002291.3 (MANE Select); coding-DNA position 1977, A replaced by G.
Protein change: p.Pro659=; no amino-acid change (proline 659 retained).
Molecular consequence: synonymous variant.
Genome position (GRCh38, 1-based): chr7:107,961,557, T>C on the plus strand (A>G on the coding strand, the complement: LAMB1 is on the minus strand). VCF-style: chr7-107961557-T-C. GRCh37 (hg19) VCF-style: chr7-107602002-T-C.
Identifiers: ClinVar variation 390596 (VCV000390596.1), dbSNP rs1057523829, ClinGen allele CA16605631.

ClinVar aggregate classification (germline): Likely benign (1 of 4 stars; one submission).

Submission:

GeneDx
Classification: Likely benign. Last evaluated: 2016-11-08. Review status: criteria provided, single submitter. Criteria: GeneDx Variant Classification (06012015). Collection method: clinical testing. Allele origin: germline. Affected: yes.
Comment: This variant is considered likely benign or benign based on one or more of the following criteria: it is a conservative change, it occurs at a poorly conserved position in the protein, it is predicted to be benign by multiple in silico algorithms, and/or has population frequency not consistent with disease.